The following is an entry in ClinVar:

NM_004526.4(MCM2):c.256G>C (p.Glu86Gln)

Gene: MCM2 (minichromosome maintenance complex component 2; plus strand). Cytogenetic location: 3q21.3.
Variant type: single nucleotide variant.
Coding change: c.256G>C on transcript NM_004526.4 (MANE Select); coding-DNA position 256, G replaced by C.
Protein change: p.Glu86Gln; replaces glutamic acid 86 with glutamine.
Molecular consequence: missense variant. On other transcripts: non-coding transcript variant (1).
Genome position (GRCh38, 1-based): chr3:127,604,627, G>C. VCF-style: chr3-127604627-G-C. GRCh37 (hg19) VCF-style: chr3-127323470-G-C.
Other names: short protein forms E86Q.
Identifiers: ClinVar variation 4725922 (VCV004725922.1).

ClinVar aggregate classification (germline): Uncertain significance (1 of 4 stars; one submission).

gnomAD v4.1: 1 of 1,613,310 alleles (0.000062%); highest among the groups gnomAD compares: African/African-American, 0.0013%; no homozygotes.

Submission:

Labcorp Genetics (formerly Invitae), Labcorp
Classification: Uncertain significance. Last evaluated: 2025-08-25. Review status: criteria provided, single submitter. Criteria: Invitae Variant Classification Sherloc (09022015). Collection method: clinical testing. Allele origin: germline.
Comment: This sequence change replaces glutamic acid, which is acidic and polar, with glutamine, which is neutral and polar, at codon 86 of the MCM2 protein (p.Glu86Gln). This variant is not present in population databases (gnomAD no frequency). This variant has not been reported in the literature in individuals affected with MCM2-related conditions. An algorithm developed to predict the effect of missense changes on protein structure and function (PolyPhen-2) suggests that this variant is likely to be disruptive. In summary, the available evidence is currently insufficient to determine the role of this variant in disease. Therefore, it has been classified as a Variant of Uncertain Significance.